The following is an entry in ClinVar:

ClinVar aggregate classification (germline): Pathogenic (1 of 4 stars; one submission).

Conditions:
Arrhythmogenic right ventricular dysplasia 10. Also called: ARRHYTHMOGENIC RIGHT VENTRICULAR DYSPLASIA, FAMILIAL, 10; Arrhythmogenic Right Ventricular Dysplasia/Cardiomyopathy10; Arrhythmogenic right ventricular dysplasia/cardiomyopathy, type 10. Identifiers: MedGen C1857777, MONDO:0012434, OMIM 610193.

Submission:

Labcorp Genetics (formerly Invitae), Labcorp
Classification: Pathogenic for Arrhythmogenic right ventricular dysplasia 10. Last evaluated: 2021-09-05. Review status: criteria provided, single submitter. Criteria: Invitae Variant Classification Sherloc (09022015). Collection method: clinical testing. Allele origin: germline.
Comment: This sequence change creates a premature translational stop signal (p.Trp306*) in the DSG2 gene. It is expected to result in an absent or disrupted protein product. Loss-of-function variants in DSG2 are known to be pathogenic (PMID: 17105751, 31386562). For these reasons, this variant has been classified as Pathogenic. This premature translational stop signal has been observed in individual(s) with arrhythmogenic right ventricular cardiomyopathy (PMID: 16773573). This variant is not present in population databases (ExAC no frequency).

Literature cited by the submitters: PubMed 17105751; PubMed 31386562; PubMed 16773573.

NM_001943.5(DSG2):c.917G>A (p.Trp306Ter)

Gene: DSG2 (desmoglein 2; plus strand). Cytogenetic location: 18q12.1.
Variant type: single nucleotide variant.
Coding change: c.917G>A on transcript NM_001943.5 (MANE Select); coding-DNA position 917, G replaced by A.
Protein change: p.Trp306Ter; replaces tryptophan 306 with a stop codon.
Molecular consequence: nonsense.
Genome position (GRCh38, 1-based): chr18:31,524,791, G>A. VCF-style: chr18-31524791-G-A. GRCh37 (hg19) VCF-style: chr18-29104754-G-A.
Other names: short protein forms W306*.
Identifiers: ClinVar variation 1459522 (VCV001459522.6), dbSNP rs2144323019, ClinGen allele CA402135662.